The following is an entry in ClinVar:

ClinVar aggregate classification (germline): Uncertain significance (1 of 4 stars; one submission).

Conditions:
Hereditary cancer-predisposing syndrome. Also called: Hereditary Cancer Syndrome; Hereditary neoplastic syndrome; Neoplastic Syndromes, Hereditary; Tumor predisposition. Identifiers: Orphanet 140162, MedGen C0027672, MeSH D009386, MONDO:0015356.

Submission:

Ambry Genetics
Classification: Uncertain significance for Hereditary cancer-predisposing syndrome. Last evaluated: 2021-09-23. Review status: criteria provided, single submitter. Criteria: Ambry Variant Classification Scheme 2023. Collection method: clinical testing. Allele origin: germline.
Comment: The p.N440D variant (also known as c.1318A>G), located in coding exon 10 of the NBN gene, results from an A to G substitution at nucleotide position 1318. The asparagine at codon 440 is replaced by aspartic acid, an amino acid with highly similar properties. This amino acid position is conserved. In addition, this alteration is predicted to be tolerated by in silico analysis. Since supporting evidence is limited at this time, the clinical significance of this alteration remains unclear.

NM_002485.5(NBN):c.1318A>G (p.Asn440Asp)

Gene: NBN (nibrin; minus strand). Cytogenetic location: 8q21.3.
Variant type: single nucleotide variant.
Coding change: c.1318A>G on transcript NM_002485.5 (MANE Select); coding-DNA position 1318, A replaced by G.
Protein change: p.Asn440Asp; replaces asparagine 440 with aspartic acid.
Molecular consequence: missense variant.
Genome position (GRCh38, 1-based): chr8:89,955,362, T>C on the plus strand (A>G on the coding strand, the complement: NBN is on the minus strand). VCF-style: chr8-89955362-T-C. GRCh37 (hg19) VCF-style: chr8-90967590-T-C.
Other names: c.1072A>G, p.Asn358Asp (NM_001024688.3); short protein forms N358D, N440D.
Identifiers: ClinVar variation 1769828 (VCV001769828.2), dbSNP rs2488243206, ClinGen allele CA371656129.